The following is an entry in ClinVar:

NM_001289808.2(CRYAB):c.47C>T (p.Pro16Leu)

Gene: CRYAB (crystallin alpha B; minus strand). Cytogenetic location: 11q23.1.
Variant type: single nucleotide variant.
Coding change: c.47C>T on transcript NM_001289808.2 (MANE Select); coding-DNA position 47, C replaced by T.
Protein change: p.Pro16Leu; replaces proline 16 with leucine.
Molecular consequence: missense variant.
Genome position (GRCh38, 1-based): chr11:111,911,678, G>A on the plus strand (C>T on the coding strand, the complement: CRYAB is on the minus strand). VCF-style: chr11-111911678-G-A. GRCh37 (hg19) VCF-style: chr11-111782402-G-A.
Other names: c.47C>T, p.Pro16Leu (NM_001289807.1, NM_001368245.1, NM_001885.3); short protein forms P16L.
Identifiers: ClinVar variation 578197 (VCV000578197.10), dbSNP rs868946460, ClinGen allele CA382600951.

ClinVar aggregate classification (germline): Uncertain significance (1 of 4 stars; one submission).

Conditions:
Dilated cardiomyopathy 1II (CMD1II). Identifiers: Orphanet 154, MedGen C3554649, MONDO:0014073, OMIM 615184.

Submission:

Labcorp Genetics (formerly Invitae), Labcorp
Classification: Uncertain significance for Dilated cardiomyopathy 1II. Last evaluated: 2020-05-05. Review status: criteria provided, single submitter. Criteria: Invitae Variant Classification Sherloc (09022015). Collection method: clinical testing. Allele origin: germline.
Comment: Algorithms developed to predict the effect of missense changes on protein structure and function do not agree on the potential impact of this missense change (SIFT: "Deleterious"; PolyPhen-2: "Possibly Damaging"; Align-GVGD: "Class C0"). This variant has not been reported in the literature in individuals with CRYAB-related disease. This variant is not present in population databases (ExAC no frequency). This sequence change replaces proline with leucine at codon 16 of the CRYAB protein (p.Pro16Leu). The proline residue is highly conserved and there is a moderate physicochemical difference between proline and leucine. In summary, the available evidence is currently insufficient to determine the role of this variant in disease. Therefore, it has been classified as a Variant of Uncertain Significance.